The following is an entry in ClinVar:

ClinVar aggregate classification (germline): Uncertain significance (1 of 4 stars; one submission).

Conditions:
Dilated cardiomyopathy 1O (CMD1O). Also called: CARDIOMYOPATHY, DILATED, WITH VENTRICULAR TACHYCARDIA. Identifiers: Orphanet 154, MedGen C1837839, MONDO:0012062, OMIM 608569.

Submission:

Labcorp Genetics (formerly Invitae), Labcorp
Classification: Uncertain significance for Dilated cardiomyopathy 1O. Last evaluated: 2022-02-01. Review status: criteria provided, single submitter. Criteria: Invitae Variant Classification Sherloc (09022015). Collection method: clinical testing. Allele origin: germline.
Comment: In summary, the available evidence is currently insufficient to determine the role of this variant in disease. Therefore, it has been classified as a Variant of Uncertain Significance. Algorithms developed to predict the effect of sequence changes on RNA splicing suggest that this variant may create or strengthen a splice site. Algorithms developed to predict the effect of missense changes on protein structure and function (SIFT, PolyPhen-2, Align-GVGD) all suggest that this variant is likely to be tolerated. This variant has not been reported in the literature in individuals affected with ABCC9-related conditions. This variant is present in population databases (no rsID available, gnomAD 0.006%). This sequence change replaces asparagine, which is neutral and polar, with serine, which is neutral and polar, at codon 1532 of the ABCC9 protein (p.Asn1532Ser).

NM_020297.4(ABCC9):c.4512+769A>G

Genes: ABCC9 (ATP binding cassette subfamily C member 9; minus strand), KCNJ8-AS1 (KCNJ8 antisense RNA 1; plus strand). Cytogenetic location: 12p12.1.
Variant type: single nucleotide variant.
Coding change: c.4512+769A>G on transcript NM_020297.4 (MANE Select); 769 bases into the intron after coding-DNA position 4512, A replaced by G.
Molecular consequence: intron variant. On other transcripts: missense variant (1).
Genome position (GRCh38, 1-based): chr12:21,805,229, T>C on the plus strand (A>G on the coding strand, the complement: ABCC9 is on the minus strand). VCF-style: chr12-21805229-T-C. GRCh37 (hg19) VCF-style: chr12-21958163-T-C.
Other names: c.4595A>G, p.Asn1532Ser (NM_005691.4); c.3645+769A>G (NM_001377274.1); c.4512+769A>G (NM_001377273.1); short protein forms N1532S.
Identifiers: ClinVar variation 1964281 (VCV001964281.5), dbSNP rs1188843978, ClinGen allele CA384129047.
Genomic context (GRCh38, chr12:21,805,229, plus strand): 5'-ATGGTCTACTTGTTGGTCATCACCAAAGTGGAAAAGAGGCCATTCTTGTGGGCGAGCAAA[T>C]TTGGGACAGTATCACACTCCACTAAAATACCCTCAGAAAAGACTAAAACAAGGCCTGCAT-3'